The following is an entry in ClinVar:

NM_000222.3(KIT):c.2361T>C (p.Asn787=)

Gene: KIT (KIT proto-oncogene, receptor tyrosine kinase; plus strand). Cytogenetic location: 4q12.
Variant type: single nucleotide variant.
Coding change: c.2361T>C on transcript NM_000222.3 (MANE Select); coding-DNA position 2361, T replaced by C.
Protein change: p.Asn787=; no amino-acid change (asparagine 787 retained).
Molecular consequence: synonymous variant.
Genome position (GRCh38, 1-based): chr4:54,731,998, T>C. VCF-style: chr4-54731998-T-C. GRCh37 (hg19) VCF-style: chr4-55598164-T-C.
Other names: c.2349T>C, p.Asn783= (NM_001093772.2, NM_001385292.1); c.2364T>C, p.Asn788= (NM_001385284.1); c.2358T>C, p.Asn786= (NM_001385285.1); c.2346T>C, p.Asn782= (NM_001385286.1); c.2352T>C, p.Asn784= (NM_001385288.1); c.2361T>C, p.Asn787= (NM_001385290.1).
Identifiers: ClinVar variation 134624 (VCV000134624.42), dbSNP rs140912933, ClinGen allele CA160359.

ClinVar aggregate classification (germline): Benign/Likely benign. Review status: criteria provided, multiple submitters, no conflicts (2 of 4 stars). 8 submissions from 8 submitters: Benign (4); Likely benign (2). 2 of the submissions do not count toward it. Last evaluated 2026-08-01.

Conditions:
Hereditary cancer-predisposing syndrome. Also called: Neoplastic Syndromes, Hereditary; Tumor predisposition; Hereditary neoplastic syndrome; Hereditary Cancer Syndrome. Identifiers: Orphanet 140162, MedGen C0027672, MeSH D009386, MONDO:0015356.
Gastrointestinal stromal tumor. Also called: Gastrointestinal stromal tumor, somatic; Gastrointestinal stroma tumor. Identifiers: Orphanet 44890, MedGen C0238198, MeSH D046152, MONDO:0011719, OMIM 606764, HP:0100723.

Allele frequency attached by ClinVar (database versions not stated): gnomAD exomes 0.00055 and 0.00018; ExAC 0.00073; gnomAD 0.00197 and 0.00207; TOPMed 0.00233; ESP Exome Variant Server 0.00238; 1000 Genomes Project 0.00300; 1000 Genomes Project 30x 0.00390.
gnomAD v4.1: 584 of 1,613,292 alleles (0.036%); highest among the groups gnomAD compares: African/African-American, 0.7%; 3 homozygotes.

Submissions (11):

CeGaT Center for Human Genetics Tuebingen
Classification: Likely benign. Last evaluated: 2026-08-01. Review status: criteria provided, single submitter. Criteria: CeGaT Center For Human Genetics Tuebingen Variant Classification Criteria Version 2. Collection method: clinical testing. Allele origin: germline. Affected: yes. Observed: 7 variant alleles.
Comment: KIT: BP4, BP7

Labcorp Genetics (formerly Invitae), Labcorp
Classification: Benign for Gastrointestinal stromal tumor. Last evaluated: 2026-02-04. Review status: criteria provided, single submitter. Criteria: Invitae Variant Classification Sherloc (09022015). Collection method: clinical testing. Allele origin: germline.

Blueprint Genetics
Classification: Likely benign. Last evaluated: 2024-11-07. Review status: criteria provided, single submitter. Criteria: ACMG Guidelines, 2015. Collection method: clinical testing. Allele origin: germline.

KCCC/NGS Laboratory, Kuwait Cancer Control Center
Classification: Benign for Gastrointestinal stromal tumor. Last evaluated: 2023-07-07. Review status: criteria provided, single submitter. Criteria: ACMG Guidelines, 2015. Collection method: clinical testing. Allele origin: germline. Affected: yes.

Sema4
Classification: Benign for Hereditary cancer-predisposing syndrome. Last evaluated: 2020-10-22. Review status: criteria provided, single submitter. Criteria: Sema4 Curation Guidelines. Collection method: curation. Allele origin: germline.

Ambry Genetics
Classification: Benign for Hereditary cancer-predisposing syndrome. Last evaluated: 2018-10-02. Review status: criteria provided, single submitter. Criteria: Ambry Variant Classification Scheme 2023. Collection method: clinical testing. Allele origin: germline.

Genetic Services Laboratory, University of Chicago
Classification: Benign. Last evaluated: 2022-07-28. Review status: no assertion criteria provided. Collection method: clinical testing. Allele origin: germline. Affected: no. Not counted in ClinVar's aggregate classification.

ITMI
No classification provided. Condition: AllHighlyPenetrant. Last evaluated: 2013-09-19. Review status: no classification provided. Collection method: reference population. Allele origin: germline. Not counted in ClinVar's aggregate classification.
Comment: Please see associated publication for description of ethnicities

Dr. Peter K. Rogan Lab, Western University
No classification provided (evidence only). Condition: Familial cancer of breast. Review status: no classification provided. Collection method: in vitro. Allele origin: not applicable. Functional consequence: retained intron. Not counted in ClinVar's aggregate classification.

Dr. Peter K. Rogan Lab, Western University
No classification provided (evidence only). Condition: Uterine corpus endometrial carcinoma. Review status: no classification provided. Collection method: in vitro. Allele origin: not applicable. Functional consequence: retained intron. Not counted in ClinVar's aggregate classification.

Dr. Peter K. Rogan Lab, Western University
No classification provided (evidence only). Condition: Nonpapillary renal cell carcinoma. Review status: no classification provided. Collection method: in vitro. Allele origin: not applicable. Functional consequence: retained intron. Not counted in ClinVar's aggregate classification.

Literature cited by the submitters: PubMed 24728327 (cited by ITMI).